The following is an entry in ClinVar:

NM_001122769.3(LCA5):c.1507G>T (p.Glu503Ter)

Gene: LCA5 (lebercilin LCA5; minus strand). Cytogenetic location: 6q14.1.
Variant type: single nucleotide variant.
Coding change: c.1507G>T on transcript NM_001122769.3 (MANE Select); coding-DNA position 1507, G replaced by T.
Protein change: p.Glu503Ter; replaces glutamic acid 503 with a stop codon.
Molecular consequence: nonsense.
Genome position (GRCh38, 1-based): chr6:79,487,591, C>A on the plus strand (G>T on the coding strand, the complement: LCA5 is on the minus strand). VCF-style: chr6-79487591-C-A. GRCh37 (hg19) VCF-style: chr6-80197308-C-A.
Other names: c.1507G>T, p.Glu503Ter (NM_181714.4); short protein forms E503*.
Identifiers: ClinVar variation 1451863 (VCV001451863.9), dbSNP rs2127665867, ClinGen allele CA364640456.

ClinVar aggregate classification (germline): Pathogenic/Likely pathogenic. Review status: criteria provided, multiple submitters, no conflicts (2 of 4 stars). 2 submissions from 2 submitters: Pathogenic (1); Likely pathogenic (1). Last evaluated 2022-10-13.

Conditions:
LCA5-related disorder. Also called: LCA5-related condition.

Submissions (2):

Labcorp Genetics (formerly Invitae), Labcorp
Classification: Pathogenic. Last evaluated: 2022-10-13. Review status: criteria provided, single submitter. Criteria: Invitae Variant Classification Sherloc (09022015). Collection method: clinical testing. Allele origin: germline.
Comment: This sequence change creates a premature translational stop signal (p.Glu503*) in the LCA5 gene. While this is not anticipated to result in nonsense mediated decay, it is expected to disrupt the last 195 amino acid(s) of the LCA5 protein. This variant is not present in population databases (gnomAD no frequency). This variant has not been reported in the literature in individuals affected with LCA5-related conditions. ClinVar contains an entry for this variant (Variation ID: 1451863). This variant disrupts a region of the LCA5 protein in which other variant(s) (p.Lys586*) have been determined to be pathogenic (PMID: 23946133, 27624628). This suggests that this is a clinically significant region of the protein, and that variants that disrupt it are likely to be disease-causing. For these reasons, this variant has been classified as Pathogenic.

Blueprint Genetics
Classification: Likely pathogenic for LCA5-related disorders. Last evaluated: 2021-10-12. Review status: criteria provided, single submitter. Criteria: ACMG Guidelines, 2015. Collection method: clinical testing. Allele origin: germline. Affected: yes. Observed: 1 variant allele.

Literature cited by the submitters: PubMed 23946133 (cited by Labcorp Genetics (formerly Invitae), Labcorp); PubMed 27624628 (cited by Labcorp Genetics (formerly Invitae), Labcorp).